The following is an entry in ClinVar:

ClinVar aggregate classification (germline): Likely benign. Review status: criteria provided, multiple submitters, no conflicts (2 of 4 stars). 3 submissions from 3 submitters: Likely benign (3). Last evaluated 2025-12-22.

Conditions:
Congenital muscular dystrophy due to integrin alpha-7 deficiency. Also called: Congenital muscular dystrophy with integrin alpha-7 deficiency; Muscular dystrophy, congenital, due to ITGA7 deficiency; MYOPATHY, CONGENITAL, DUE TO INTEGRIN ALPHA-7 DEFICIENCY. Identifiers: Orphanet 34520, MedGen C2750786, MONDO:0013177, OMIM 613204.

Allele frequency attached by ClinVar (database versions not stated): TOPMed 0.00022; ESP Exome Variant Server 0.00031; 1000 Genomes Project 30x 0.00078; 1000 Genomes Project 0.00080.
gnomAD v4.1: 423 of 1,591,898 alleles (0.027%); highest among the groups gnomAD compares: East Asian, 0.079%; 1 homozygote.

Submissions (3):

Labcorp Genetics (formerly Invitae), Labcorp
Classification: Likely benign for Congenital muscular dystrophy due to integrin alpha-7 deficiency. Last evaluated: 2025-12-22. Review status: criteria provided, single submitter. Criteria: Invitae Variant Classification Sherloc (09022015). Collection method: clinical testing. Allele origin: germline.

Blueprint Genetics
Classification: Likely benign. Last evaluated: 2024-11-05. Review status: criteria provided, single submitter. Criteria: ACMG Guidelines, 2015. Collection method: clinical testing. Allele origin: germline.

GeneDx
Classification: Likely benign. Last evaluated: 2017-05-26. Review status: criteria provided, single submitter. Criteria: GeneDx Variant Classification (06012015). Collection method: clinical testing. Allele origin: germline. Affected: yes.
Comment: This variant is considered likely benign or benign based on one or more of the following criteria: it is a conservative change, it occurs at a poorly conserved position in the protein, it is predicted to be benign by multiple in silico algorithms, and/or has population frequency not consistent with disease.

NM_002206.3(ITGA7):c.1567+16C>G

Gene: ITGA7 (integrin subunit alpha 7; minus strand). Cytogenetic location: 12q13.2.
Variant type: single nucleotide variant.
Coding change: c.1567+16C>G on transcript NM_002206.3 (MANE Select); 16 bases into the intron after coding-DNA position 1567, C replaced by G.
Molecular consequence: intron variant.
Genome position (GRCh38, 1-based): chr12:55,697,200, G>C on the plus strand (C>G on the coding strand, the complement: ITGA7 is on the minus strand). VCF-style: chr12-55697200-G-C. GRCh37 (hg19) VCF-style: chr12-56090984-G-C.
Other names: c.1288+16C>G (NM_001144997.2); c.1240+16C>G (NM_001367993.1); c.1228+16C>G (NM_001414035.1); c.1384+16C>G (NM_001414033.1); c.223+16C>G (NM_001367994.1); c.1447+16C>G (NM_001414032.1); c.1480+16C>G (NM_001414031.1); c.1567+16C>G (NM_001374465.1, NM_001414034.1); and 3 more.
Identifiers: ClinVar variation 509830 (VCV000509830.16), dbSNP rs199504152, ClinGen allele CA6615910.